The following is an entry in ClinVar:

ClinVar aggregate classification (germline): Uncertain significance. Review status: criteria provided, single submitter (1 of 4 stars). 2 submissions from 2 submitters: Uncertain significance (1). 1 of the submissions does not count toward it. Last evaluated 2025-08-02.

Conditions:
DMBT1-related disorder. Also called: DMBT1-related condition.

Allele frequency attached by ClinVar (database versions not stated): gnomAD exomes 0.00023; ExAC 0.00074; ESP Exome Variant Server 0.00236; 1000 Genomes Project 0.00240; gnomAD 0.00247; 1000 Genomes Project 30x 0.00250; TOPMed 0.00257.

Submissions (2):

Ambry Genetics
Classification: Uncertain significance. Last evaluated: 2025-08-02. Review status: criteria provided, single submitter. Criteria: Ambry Variant Classification Scheme 2023. Collection method: clinical testing. Allele origin: germline.

PreventionGenetics, part of Exact Sciences
Classification: Benign for DMBT1-related condition. Last evaluated: 2019-03-14. Review status: no assertion criteria provided. Collection method: clinical testing. Allele origin: germline. Not counted in ClinVar's aggregate classification.
Comment: This variant is classified as benign based on ACMG/AMP sequence variant interpretation guidelines (Richards et al. 2015 PMID: 25741868, with internal and published modifications).

NM_001377530.1(DMBT1):c.6502G>A (p.Glu2168Lys)

Gene: DMBT1 (deleted in malignant brain tumors 1; plus strand). Cytogenetic location: 10q26.13.
Variant type: single nucleotide variant.
Coding change: c.6502G>A on transcript NM_001377530.1 (MANE Select); coding-DNA position 6502, G replaced by A.
Protein change: p.Glu2168Lys; replaces glutamic acid 2168 with lysine.
Molecular consequence: missense variant.
Genome position (GRCh38, 1-based): chr10:122,633,295, G>A. VCF-style: chr10-122633295-G-A. GRCh37 (hg19) VCF-style: chr10-124392811-G-A.
Other names: c.6112G>A, p.Glu2038Lys (NM_001320644.2); c.4231G>A, p.Glu1411Lys (NM_004406.3); c.6115G>A, p.Glu2039Lys (NM_007329.3); c.6085G>A, p.Glu2029Lys (NM_017579.3); short protein forms E1411K, E2029K, E2038K, E2039K, E2168K.
Identifiers: ClinVar variation 3040779 (VCV003040779.3), dbSNP rs112645522, ClinGen allele CA5728289.